The following is an entry in ClinVar:

ClinVar aggregate classification (germline): Uncertain significance (1 of 4 stars; one submission).

Conditions:
Hypertrophic cardiomyopathy 14. Identifiers: MedGen C2750467, MONDO:0013197, OMIM 613251.

Submission:

Labcorp Genetics (formerly Invitae), Labcorp
Classification: Uncertain significance for Hypertrophic cardiomyopathy 14. Last evaluated: 2022-11-30. Review status: criteria provided, single submitter. Criteria: Invitae Variant Classification Sherloc (09022015). Collection method: clinical testing. Allele origin: germline.
Comment: This sequence change replaces methionine, which is neutral and non-polar, with isoleucine, which is neutral and non-polar, at codon 1935 of the MYH6 protein (p.Met1935Ile). This variant is not present in population databases (gnomAD no frequency). This variant has not been reported in the literature in individuals affected with MYH6-related conditions. Algorithms developed to predict the effect of missense changes on protein structure and function (SIFT, PolyPhen-2, Align-GVGD) all suggest that this variant is likely to be tolerated. In summary, the available evidence is currently insufficient to determine the role of this variant in disease. Therefore, it has been classified as a Variant of Uncertain Significance.

NM_002471.4(MYH6):c.5805G>A (p.Met1935Ile)

Gene: MYH6 (myosin heavy chain 6; minus strand). Cytogenetic location: 14q11.2.
Variant type: single nucleotide variant.
Coding change: c.5805G>A on transcript NM_002471.4 (MANE Select); coding-DNA position 5805, G replaced by A.
Protein change: p.Met1935Ile; replaces methionine 1935 with isoleucine.
Molecular consequence: missense variant.
Genome position (GRCh38, 1-based): chr14:23,382,055, C>T on the plus strand (G>A on the coding strand, the complement: MYH6 is on the minus strand). VCF-style: chr14-23382055-C-T. GRCh37 (hg19) VCF-style: chr14-23851264-C-T.
Other names: short protein forms M1935I.
Identifiers: ClinVar variation 2817675 (VCV002817675.3), dbSNP rs372265811, ClinGen allele CA388980894.